The following is an entry in ClinVar:

NC_000008.10:g.(?_30938373)_(30974054_?)del

Gene: WRN (WRN RecQ like helicase; plus strand). Cytogenetic location: 8p12.
Variant type: Deletion.
Identifiers: ClinVar variation 3245422 (VCV003245422.1).

ClinVar aggregate classification (germline): Pathogenic (1 of 4 stars; one submission).

Conditions:
Werner syndrome (WRN). Identifiers: Orphanet 902, MedGen C0043119, MONDO:0010196, OMIM 277700.

Submission:

Labcorp Genetics (formerly Invitae), Labcorp
Classification: Pathogenic for Werner syndrome. Last evaluated: 2023-04-23. Review status: criteria provided, single submitter. Criteria: Invitae Variant Classification Sherloc (09022015). Collection method: clinical testing. Allele origin: unknown.
Comment: For these reasons, this variant has been classified as Pathogenic. This variant has not been reported in the literature in individuals affected with WRN-related conditions. This variant is a gross deletion of the genomic region encompassing exon(s) 9-20 of the WRN gene. This deletion is out-of-frame, and is expected to create a premature termination codon and result in an absent or disrupted protein product. Loss-of-function variants in WRN are known to be pathogenic (PMID: 16673358).

Literature cited by the submitters: PubMed 16673358.